The following is an entry in ClinVar:

NM_001387430.1(SH2B1):c.39C>T (p.Pro13=)

Gene: SH2B1 (SH2B adaptor protein 1; plus strand). Cytogenetic location: 16p11.2.
Variant type: single nucleotide variant.
Coding change: c.39C>T on transcript NM_001387430.1 (MANE Select); coding-DNA position 39, C replaced by T.
Protein change: p.Pro13=; no amino-acid change (proline 13 retained).
Molecular consequence: synonymous variant. On other transcripts: intron variant (1).
Genome position (GRCh38, 1-based): chr16:28,866,133, C>T. VCF-style: chr16-28866133-C-T. GRCh37 (hg19) VCF-style: chr16-28877454-C-T.
Other names: c.39C>T, p.Pro13= (NM_001145795.2, NM_001145796.2, NM_001145797.2 and 4 more transcripts); c.-26-1241C>T (NM_001308294.2).
Identifiers: ClinVar variation 3035168 (VCV003035168.2), dbSNP rs1039184899, ClinGen allele CA279250263.

ClinVar aggregate classification (germline): Likely benign (0 of 4 stars; one submission).

Conditions:
SH2B1-related disorder. Also called: SH2B1-related condition.

Allele frequency attached by ClinVar (database versions not stated): gnomAD 0.00002; TOPMed 0.00006.
gnomAD v4.1: 6 of 1,572,734 alleles (0.00038%); highest among the groups gnomAD compares: African/African-American, 0.0067%; no homozygotes.

Submission:

PreventionGenetics, part of Exact Sciences
Classification: Likely benign for SH2B1-related condition. Last evaluated: 2024-02-07. Review status: no assertion criteria provided. Collection method: clinical testing. Allele origin: germline.
Comment: This variant is classified as likely benign based on ACMG/AMP sequence variant interpretation guidelines (Richards et al. 2015 PMID: 25741868, with internal and published modifications).